The following is an entry in ClinVar:

NM_001349206.2(LPIN1):c.1379C>T (p.Ala460Val)

Genes: LPIN1 (lipin 1; plus strand), LOC122756382 (Sharpr-MPRA regulatory region 7856; plus strand). Cytogenetic location: 2p25.1.
Variant type: single nucleotide variant.
Coding change: c.1379C>T on transcript NM_001349206.2 (MANE Select); coding-DNA position 1379, C replaced by T.
Protein change: p.Ala460Val; replaces alanine 460 with valine.
Molecular consequence: missense variant. On other transcripts: non-coding transcript variant (1).
Genome position (GRCh38, 1-based): chr2:11,784,906, C>T. VCF-style: chr2-11784906-C-T. GRCh37 (hg19) VCF-style: chr2-11925032-C-T.
Other names: c.1289C>T, p.Ala430Val (NM_001261427.3); c.1526C>T, p.Ala509Val (NM_001261428.3); c.1271C>T, p.Ala424Val (NM_001349199.2, NM_001349200.2, NM_001349201.2 and 1 more transcripts); c.1376C>T, p.Ala459Val (NM_001349202.2, NM_001349203.2); c.1379C>T, p.Ala460Val (NM_001349204.2, NM_001349205.2); c.1469C>T, p.Ala490Val (NM_001349207.2); c.1418C>T, p.Ala473Val (NM_001349208.2); c.1271C>T (NM_145693.1); short protein forms A473V, A430V, A460V, A509V, A424V, A459V, A490V.
Identifiers: ClinVar variation 2043475 (VCV002043475.3), dbSNP rs571532101, ClinGen allele CA1533707.

ClinVar aggregate classification (germline): Uncertain significance. Review status: criteria provided, multiple submitters, no conflicts (2 of 4 stars). 3 submissions from 3 submitters: Uncertain significance (3). Last evaluated 2025-03-27.

Conditions:
Inborn genetic diseases. Identifiers: MedGen C0950123, MeSH D030342.
Myoglobinuria, acute recurrent, autosomal recessive. Also called: RHABDOMYOLYSIS, ACUTE RECURRENT; MYOGLOBINURIA, FAMILIAL PAROXYSMAL PARALYTIC; Myoglobinuria, recurrent, autosomal recessive. Identifiers: Orphanet 99845, MedGen C1849386, MONDO:0009992, OMIM 268200.

Allele frequency attached by ClinVar (database versions not stated): gnomAD 0.00002; ExAC 0.00003; 1000 Genomes Project 0.00020; 1000 Genomes Project 30x 0.00031.
gnomAD v4.1: 59 of 1,613,984 alleles (0.0037%); highest among the groups gnomAD compares: Middle Eastern, 0.033%; no homozygotes.

Submissions (3):

Ambry Genetics
Classification: Uncertain significance for Inborn genetic diseases. Last evaluated: 2025-03-27. Review status: criteria provided, single submitter. Criteria: Ambry Variant Classification Scheme 2023. Collection method: clinical testing. Allele origin: germline.

Fulgent Genetics
Classification: Uncertain significance for Myoglobinuria, acute recurrent, autosomal recessive. Last evaluated: 2024-05-09. Review status: criteria provided, single submitter. Criteria: ACMG Guidelines, 2015. Collection method: clinical testing. Allele origin: germline.

Labcorp Genetics (formerly Invitae), Labcorp
Classification: Uncertain significance. Last evaluated: 2022-08-15. Review status: criteria provided, single submitter. Criteria: Invitae Variant Classification Sherloc (09022015). Collection method: clinical testing. Allele origin: germline.
Comment: This sequence change replaces alanine, which is neutral and non-polar, with valine, which is neutral and non-polar, at codon 424 of the LPIN1 protein (p.Ala424Val). This variant is present in population databases (rs571532101, gnomAD 0.03%). This variant has not been reported in the literature in individuals affected with LPIN1-related conditions. Algorithms developed to predict the effect of missense changes on protein structure and function (SIFT, PolyPhen-2, Align-GVGD) all suggest that this variant is likely to be tolerated. In summary, the available evidence is currently insufficient to determine the role of this variant in disease. Therefore, it has been classified as a Variant of Uncertain Significance.